The following is an entry in ClinVar:

ClinVar aggregate classification (germline): Likely benign (0 of 4 stars; one submission).

Conditions:
GFRA1-related disorder. Also called: GFRA1-related condition.

Allele frequency attached by ClinVar (database versions not stated): ExAC 0.00002; gnomAD 0.00003; ESP Exome Variant Server 0.00008.
gnomAD v4.1: 23 of 1,598,418 alleles (0.0014%); highest among the groups gnomAD compares: East Asian, 0.009%; no homozygotes.

Submission:

PreventionGenetics, part of Exact Sciences
Classification: Likely benign for GFRA1-related condition. Last evaluated: 2019-08-14. Review status: no assertion criteria provided. Collection method: clinical testing. Allele origin: germline.
Comment: This variant is classified as likely benign based on ACMG/AMP sequence variant interpretation guidelines (Richards et al. 2015 PMID: 25741868, with internal and published modifications).

NM_005264.8(GFRA1):c.41-6C>A

Gene: GFRA1 (GDNF family receptor alpha 1; minus strand). Cytogenetic location: 10q25.3.
Variant type: single nucleotide variant.
Coding change: c.41-6C>A on transcript NM_005264.8 (MANE Select); 6 bases into the intron before coding-DNA position 41, C replaced by A.
Molecular consequence: intron variant.
Genome position (GRCh38, 1-based): chr10:116,271,121, G>T on the plus strand (C>A on the coding strand, the complement: GFRA1 is on the minus strand). VCF-style: chr10-116271121-G-T. GRCh37 (hg19) VCF-style: chr10-118030633-G-T.
Other names: c.41-6C>A (NM_001382557.2, NM_001382556.2, NM_001145453.4 and 7 more transcripts).
Identifiers: ClinVar variation 3053275 (VCV003053275.2), dbSNP rs372156491, ClinGen allele CA5705521.